The following is an entry in ClinVar:

NM_000053.4(ATP7B):c.2827G>C (p.Gly943Arg)

Gene: ATP7B (ATPase copper transporting beta; minus strand). Cytogenetic location: 13q14.3.
Variant type: single nucleotide variant.
Coding change: c.2827G>C on transcript NM_000053.4 (MANE Select); coding-DNA position 2827, G replaced by C.
Protein change: p.Gly943Arg; replaces glycine 943 with arginine.
Molecular consequence: missense variant. On other transcripts: intron variant (6).
Genome position (GRCh38, 1-based): chr13:51,949,700, C>G on the plus strand (G>C on the coding strand, the complement: ATP7B is on the minus strand). VCF-style: chr13-51949700-C-G. GRCh37 (hg19) VCF-style: chr13-52523836-C-G.
Other names: c.2494G>C, p.Gly832Arg (NM_001243182.2); c.2593G>C, p.Gly865Arg (NM_001330578.2, NM_001406527.1, NM_001406528.1 and 1 more transcripts); c.2575G>C, p.Gly859Arg (NM_001330579.2, NM_001406531.1, NM_001406532.1 and 1 more transcripts); c.2827G>C, p.Gly943Arg (NM_001406511.1, NM_001406512.1, NM_001406513.1 and 3 more transcripts); c.2794G>C, p.Gly932Arg (NM_001406514.1); c.2731G>C, p.Gly911Arg (NM_001406517.1, NM_001406518.1); c.2683G>C, p.Gly895Arg (NM_001406520.1, NM_001406521.1, NM_001406522.1 and 1 more transcripts); c.2650G>C, p.Gly884Arg (NM_001406524.1); and 12 more; short protein forms G513R, G727R, G749R, G781R, G800R, G827R, G832R, G833R.
Identifiers: ClinVar variation 3072174 (VCV003072174.1), dbSNP rs28942076, ClinGen allele CA388033418.

ClinVar aggregate classification (germline): Likely pathogenic (1 of 4 stars; one submission).

Conditions:
Wilson disease (WND). Also called: Wilson's disease. Identifiers: Orphanet 905, MedGen C0019202, MONDO:0010200, OMIM 277900. Disease mechanism: loss of function.

gnomAD v4.1: 1 of 1,614,012 alleles (0.000062%); highest among the groups gnomAD compares: Non-Finnish European, 0.000085%; no homozygotes.

Submission:

All of Us Research Program, National Institutes of Health
Classification: Likely pathogenic for Wilson disease. Last evaluated: 2023-06-26. Review status: criteria provided, single submitter. Criteria: ACMG Guidelines, 2015. Collection method: clinical testing. Allele origin: germline. Inheritance: Autosomal recessive inheritance. Observed: 1 variant allele, 1 heterozygote.
Comment: This missense variant replaces glycine with arginine at codon 943 of the ATP7B protein. Computational prediction suggests that this variant may have deleterious impact on protein structure and function (internally defined REVEL score threshold >= 0.7, PMID: 27666373). To our knowledge, functional studies have not been reported for this variant. This variant has been observed in the homozygous state in one individual affected with autosomal recessive Wilson disease (PMID: 16088907), indicating that this variant contributes to disease. This variant has not been identified in the general population by the Genome Aggregation Database (gnomAD). Different variants affecting the same codon, p.Gly943Ser and p.Gly943Asp, are considered to be disease-causing (ClinVar Variation ID: 3856, 189058), suggesting that glycine at this position is important for the protein function. Based on the available evidence, this variant is classified as Likely Pathogenic.

This study involves interpretation of variants in research participants for the purpose of population health screening. Participant phenotype was not available at the time of variant classification. Additional details can be found in publication PMID: 35346344, PMCID: PMC8962531

Literature cited by the submitters: PubMed 16088907.